The following is an entry in ClinVar:

NM_005033.3(EXOSC9):c.433ATT[1] (p.Ile146del)

Gene: EXOSC9 (exosome component 9; plus strand). Cytogenetic location: 4q27.
Variant type: Microsatellite.
Coding change: c.433ATT[1] on transcript NM_005033.3 (MANE Select); one copy of the 3-base unit ATT starting at c.433; the reference has two copies in a row; one copy, 3 bases deleted; also written c.436_438del.
Protein change: p.Ile146del; deletes isoleucine 146.
Molecular consequence: inframe deletion.
Genome position (GRCh38, 1-based): chr4:121,804,673-121,804,675, ATT deleted; deleting any 3 consecutive bases within chr4:121,804,669-121,804,675 gives the same sequence; the position shown is the placement nearest the transcript's 3' end. VCF-style (leftmost placement, unchanged base first): chr4-121804668-ATAT-A. GRCh37 (hg19) VCF-style: chr4-122725823-ATAT-A.
Other names: c.433ATT[1], p.Ile146del (NM_001034194.2); c.436_438del (NM_005033.3); short protein forms I146del.
Identifiers: ClinVar variation 5006720 (VCV005006720.2).

ClinVar aggregate classification (germline): Uncertain significance (1 of 4 stars; one submission).

Conditions:
Pontocerebellar hypoplasia, type 1D. Identifiers: MedGen C4748058, MONDO:0054844, OMIM 618065.

Submission:

Juno Genomics, Hangzhou Juno Genomics, Inc
Classification: Uncertain significance for Pontocerebellar hypoplasia, type 1D. Review status: criteria provided, single submitter. Criteria: ACMG Guidelines, 2015. Collection method: clinical testing. Allele origin: germline.
Comment: Protein length changes due to in-frame deletions/insertions in a non-repeat region or stop-loss variants.;Absent from controls (or at extremely low frequency if recessive) in Genome Aggregation Database.